The following is an entry in ClinVar:

NM_001042492.3(NF1):c.4252_4254del (p.Ile1418del)

Gene: NF1 (neurofibromin 1; plus strand). Cytogenetic location: 17q11.2.
Variant type: Deletion.
Coding change: c.4252_4254del on transcript NM_001042492.3 (MANE Select); coding-DNA positions 4252 to 4254, 3 bases deleted (ATT; older notation c.4252_4254delATT).
Protein change: p.Ile1418del; deletes isoleucine 1418.
Molecular consequence: inframe deletion. On other transcripts: inframe indel (1).
Genome position (GRCh38, 1-based): chr17:31,258,422-31,258,424, ATT deleted. VCF-style (leftmost placement, unchanged base first): chr17-31258421-CATT-C. GRCh37 (hg19) VCF-style: chr17-29585439-CATT-C.
Other names: c.4189_4191delATT (NM_000267.3); c.4189_4191delATT, p.Ile1397del (NM_000267.4); short protein forms I1397del, I1418del.
Identifiers: ClinVar variation 824654 (VCV000824654.4), dbSNP rs1597744672, ClinGen allele CA915949645.
Genomic context (GRCh38, chr17:31,258,421, plus strand): 5'-CCCTCAGAACAGCATCGGTGCAGTAGGAAGTGCCATGTTCCTCAGATTTATCAATCCTGC[CATT>C]GTCTCACCGTATGAAGCAGGGATTTTAGATAAAAAGCCACCACCTAGAATCGAAAGGGGC-3'

ClinVar aggregate classification (germline): Uncertain significance (1 of 4 stars; one submission).

Conditions:
Hereditary cancer-predisposing syndrome. Also called: Neoplastic Syndromes, Hereditary; Tumor predisposition; Hereditary neoplastic syndrome; Hereditary Cancer Syndrome. Identifiers: Orphanet 140162, MedGen C0027672, MeSH D009386, MONDO:0015356.
Cardiovascular phenotype. Identifiers: MedGen CN230736.

Submission:

Ambry Genetics
Classification: Uncertain significance for Cardiovascular phenotype; Hereditary cancer-predisposing syndrome. Last evaluated: 2018-03-27. Review status: criteria provided, single submitter. Criteria: Ambry Variant Classification Scheme 2023. Collection method: clinical testing. Allele origin: germline.
Comment: The c.4189_4191delATT variant (also known as p.I1397del) is located in coding exon 31 of the NF1 gene. This variant results from an in-frame ATT deletion at nucleotide positions 4189 to 4191. This results in the in-frame deletion of an well conserved isoleucine at codon 1397. Since supporting evidence is limited at this time, the clinical significance of this alteration remains unclear.